The following is an entry in ClinVar:

ClinVar aggregate classification (germline): Uncertain significance. Review status: criteria provided, multiple submitters, no conflicts (2 of 4 stars). 4 submissions from 4 submitters: Uncertain significance (4). Last evaluated 2025-08-18.

Conditions:
Inborn genetic diseases. Identifiers: MedGen C0950123, MeSH D030342.
Chronic infantile neurological, cutaneous and articular syndrome (CINCA). Also called: CHRONIC NEUROLOGIC CUTANEOUS AND ARTICULAR SYNDROME; Prieur Griscelli syndrome; CINCA syndrome; CRYOPYRIN-ASSOCIATED PERIODIC SYNDROME 3. Identifiers: Orphanet 1451, MedGen C0409818, MONDO:0011776, OMIM 607115.
Familial amyloid nephropathy with urticaria AND deafness (MWS). Also called: MUCKLE-WELLS SYNDROME; Urticaria, deafness and amyloidosis; UDA SYNDROME; URTICARIA-DEAFNESS-AMYLOIDOSIS SYNDROME; CRYOPYRIN-ASSOCIATED PERIODIC SYNDROME 2. Identifiers: Orphanet 575, MedGen C0268390, MONDO:0008633, OMIM 191900.
Hearing loss, autosomal dominant 34, with or without inflammation. Also called: DEAFNESS, AUTOSOMAL DOMINANT 34, WITH OR WITHOUT INFLAMMATION. Identifiers: MedGen C4521680, MONDO:0033261, OMIM 617772.
Familial cold autoinflammatory syndrome 1 (FCAS1). Also called: CRYOPYRIN-ASSOCIATED PERIODIC SYNDROME 1; Familial cold inflammatory syndrome 1. Identifiers: Orphanet 47045, MedGen C4551895, MONDO:0007349, OMIM 120100.
Keratitis fugax hereditaria. Also called: KERATOENDOTHELIITIS FUGAX HEREDITARIA. Identifiers: Orphanet 647815, MedGen C1835697, MONDO:0007849, OMIM 148200.
Cryopyrin associated periodic syndrome (CAPS). Identifiers: Orphanet 208650, MedGen C2316212, MONDO:0016168.

Allele frequency attached by ClinVar (database versions not stated): gnomAD exomes below 0.00001 and 0.00001; ExAC 0.00001; gnomAD 0.00001; TOPMed 0.00002.
gnomAD v4.1: 5 of 1,614,128 alleles (0.00031%); highest among the groups gnomAD compares: African/African-American, 0.0013%; no homozygotes.

Submissions (4):

Labcorp Genetics (formerly Invitae), Labcorp
Classification: Uncertain significance for Cryopyrin associated periodic syndrome. Last evaluated: 2025-08-18. Review status: criteria provided, single submitter. Criteria: Invitae Variant Classification Sherloc (09022015). Collection method: clinical testing. Allele origin: germline.
Comment: This sequence change replaces aspartic acid, which is acidic and polar, with glutamic acid, which is acidic and polar, at codon 388 of the NLRP3 protein (p.Asp388Glu). This variant is present in population databases (rs779193213, gnomAD 0.007%). This variant has not been reported in the literature in individuals affected with NLRP3-related conditions. ClinVar contains an entry for this variant (Variation ID: 1061651). Invitae Evidence Modeling of protein sequence and biophysical properties (such as structural, functional, and spatial information, amino acid conservation, physicochemical variation, residue mobility, and thermodynamic stability) indicates that this missense variant is not expected to disrupt NLRP3 protein function with a negative predictive value of 95%. In summary, the available evidence is currently insufficient to determine the role of this variant in disease. Therefore, it has been classified as a Variant of Uncertain Significance.

Ambry Genetics
Classification: Uncertain significance for Inborn genetic diseases. Last evaluated: 2025-07-15. Review status: criteria provided, single submitter. Criteria: Ambry Variant Classification Scheme 2023. Collection method: clinical testing. Allele origin: germline.

Fulgent Genetics
Classification: Uncertain significance for Familial cold autoinflammatory syndrome 1; Keratitis fugax hereditaria; Familial amyloid nephropathy with urticaria AND deafness; Chronic infantile neurological, cutaneous and articular syndrome; Hearing loss, autosomal dominant 34, with or without inflammation. Last evaluated: 2024-05-24. Review status: criteria provided, single submitter. Criteria: ACMG Guidelines, 2015. Collection method: clinical testing. Allele origin: germline.

Center for Genomics, Ann and Robert H. Lurie Children's Hospital of Chicago
Classification: Uncertain significance for Chronic infantile neurological, cutaneous and articular syndrome; Familial cold autoinflammatory syndrome 1; Familial amyloid nephropathy with urticaria AND deafness. Review status: criteria provided, single submitter. Criteria: ACMG Guidelines, 2015. Collection method: clinical testing. Allele origin: germline.
Comment: NLRP3 NM_004895.4 exon 3 p.Asp388Glu (c.1164T>A): This variant has not been reported in the literature but is present in 0.002% (1/41466) of African alleles in the Genome Aggregation Database. This variant is present in ClinVar (Variation ID:1061651). This variant amino acid Glutamic Acid (Glu) is present in several species including multiple mammals and is not well conserved among evolutionarily distant species; this suggests that this variant may not impact the protein. Additional computational prediction tools do not suggest an impact. In summary, data on this variant is insufficient for disease classification. Therefore, the clinical significance of this variant is uncertain.

NM_001243133.2(NLRP3):c.1158T>A (p.Asp386Glu)

Gene: NLRP3 (NLR family pyrin domain containing 3; plus strand). Cytogenetic location: 1q44.
Variant type: single nucleotide variant.
Coding change: c.1158T>A on transcript NM_001243133.2 (MANE Select); coding-DNA position 1158, T replaced by A.
Protein change: p.Asp386Glu; replaces aspartic acid 386 with glutamic acid.
Molecular consequence: missense variant.
Genome position (GRCh38, 1-based): chr1:247,424,607, T>A. VCF-style: chr1-247424607-T-A. GRCh37 (hg19) VCF-style: chr1-247587909-T-A.
Other names: c.1158T>A, p.Asp386Glu (NM_001079821.3, NM_001127461.3, NM_001127462.3 and 1 more transcripts); c.1164T>A, p.Asp388Glu (NM_004895.5); c.1164T>A (NM_004895.4); short protein forms D386E, D388E.
Identifiers: ClinVar variation 1061651 (VCV001061651.13), dbSNP rs779193213, ClinGen allele CA1494990.
Genomic context (GRCh38, chr1:247,424,607, plus strand): 5'-GGAGATCCTGGGTTTCTCCGAGGCCAAAAGGAAAGAGTACTTCTTCAAGTACTTCTCTGA[T>A]GAGGCCCAAGCCAGGGCAGCCTTCAGTCTGATTCAGGAGAACGAGGTCCTCTTCACCATG-3'
Protein context (NP_001230062.1, residues 376-396): RKEYFFKYFS[Asp386Glu]EAQARAAFSL